The following is an entry in ClinVar:

NM_006393.3(NEBL):c.1108C>A (p.Gln370Lys)

Gene: NEBL (nebulette; minus strand). Cytogenetic location: 10p12.31.
Variant type: single nucleotide variant.
Coding change: c.1108C>A on transcript NM_006393.3 (MANE Select); coding-DNA position 1108, C replaced by A.
Protein change: p.Gln370Lys; replaces glutamine 370 with lysine.
Molecular consequence: missense variant. On other transcripts: intron variant (9).
Genome position (GRCh38, 1-based): chr10:20,850,403, G>T on the plus strand (C>A on the coding strand, the complement: NEBL is on the minus strand). VCF-style: chr10-20850403-G-T. GRCh37 (hg19) VCF-style: chr10-21139332-G-T.
Other names: c.250-37463C>A (NM_001377326.1, NM_001377327.1, NM_001377328.1); c.358-37463C>A (NM_213569.2, NM_001173484.2, NM_001377322.1); c.301-37463C>A (NM_001377324.1); c.292-37463C>A (NM_001377325.1); c.310-37463C>A (NM_001377323.1); short protein forms Q370K.
Identifiers: ClinVar variation 178098 (VCV000178098.27), dbSNP rs146198369, ClinGen allele CA181398.

ClinVar aggregate classification (germline): Conflicting classifications of pathogenicity. Review status: criteria provided, conflicting classifications (1 of 4 stars). 8 submissions from 8 submitters: Uncertain significance (4); Benign (1); Likely benign (2). 1 of the submissions does not count toward it. Last evaluated 2026-08-01.

Conditions:
NEBL-related disorder. Also called: NEBL-related condition.
Primary dilated cardiomyopathy (DCM). Also called: Dilated Cardiomyopathy. Identifiers: Orphanet 217604, MedGen C0007193, MeSH D002311, MONDO:0005021, HP:0001644. Inheritance: Various modes of inheritance.

Allele frequency attached by ClinVar (database versions not stated): gnomAD 0.00004 and 0.00022; ESP Exome Variant Server 0.00008; TOPMed 0.00009; gnomAD exomes 0.00089; ExAC 0.00104; 1000 Genomes Project 0.00180; 1000 Genomes Project 30x 0.00219.
gnomAD v4.1: 658 of 1,596,686 alleles (0.041%); highest among the groups gnomAD compares: South Asian, 0.67%; 5 homozygotes.

Submissions (8):

CeGaT Center for Human Genetics Tuebingen
Classification: Likely benign. Last evaluated: 2026-08-01. Review status: criteria provided, single submitter. Criteria: CeGaT Center For Human Genetics Tuebingen Variant Classification Criteria Version 2. Collection method: clinical testing. Allele origin: germline. Affected: yes. Observed: 1 variant allele.
Comment: NEBL: BP4

GeneDx
Classification: Uncertain significance. Last evaluated: 2026-02-10. Review status: criteria provided, single submitter. Criteria: GeneDx Variant Classification Process June 2021. Collection method: clinical testing. Allele origin: germline. Affected: yes.
Comment: In silico analysis supports that this missense variant has a deleterious effect on protein structure/function; Has not been previously published as pathogenic or benign to our knowledge; Variants in candidate genes are classified as variants of uncertain significance in accordance with ACMG guidelines (PMID: 25741868)

Labcorp Genetics (formerly Invitae), Labcorp
Classification: Benign for Primary dilated cardiomyopathy. Last evaluated: 2025-12-14. Review status: criteria provided, single submitter. Criteria: Invitae Variant Classification Sherloc (09022015). Collection method: clinical testing. Allele origin: germline.

Women's Health and Genetics/Laboratory Corporation of America, LabCorp
Classification: Likely benign. Last evaluated: 2025-02-03. Review status: criteria provided, single submitter. Criteria: LabCorp Variant Classification Summary - May 2015. Collection method: clinical testing. Allele origin: germline.

Ambry Genetics
Classification: Uncertain significance. Last evaluated: 2023-11-21. Review status: criteria provided, single submitter. Criteria: Ambry Variant Classification Scheme 2023. Collection method: clinical testing. Allele origin: germline.
Comment: The p.Q370K variant (also known as c.1108C>A), located in coding exon 11 of the NEBL gene, results from a C to A substitution at nucleotide position 1108. The glutamine at codon 370 is replaced by lysine, an amino acid with similar properties. This amino acid position is conserved. In addition, the in silico prediction for this alteration is inconclusive. Since supporting evidence is limited at this time, the clinical significance of this alteration remains unclear.

Stanford Center for Inherited Cardiovascular Disease, Stanford University
Classification: Uncertain significance. Last evaluated: 2015-10-01. Review status: criteria provided, single submitter. Criteria: ACMG Guidelines, 2015. Collection method: provider interpretation. Allele origin: germline.

Laboratory for Molecular Medicine, Mass General Brigham Personalized Medicine
Classification: Uncertain significance. Last evaluated: 2013-12-12. Review status: criteria provided, single submitter. Criteria: LMM Criteria. Collection method: clinical testing. Allele origin: germline. Observed: 1 variant allele.
Comment: The Gln370Lys variant in NEBL has not been previously reported in individuals wi th cardiomyopathy, but has been identified in 1/8600 European American chromosom es by the NHLBI Exome Sequencing Project (dbS NP rs146198369). Computational analyses (biochemical amino acid properties, cons ervation, AlignGVGD, PolyPhen2, and SIFT) suggest that this variant may not impa ct the protein, though this information is not predictive enough to rule out pat hogenicity. Additional information is needed to fully assess the clinical signif icance of this variant.

PreventionGenetics, part of Exact Sciences
Classification: Likely benign for NEBL-related condition. Last evaluated: 2022-05-10. Review status: no assertion criteria provided. Collection method: clinical testing. Allele origin: germline. Not counted in ClinVar's aggregate classification.
Comment: This variant is classified as likely benign based on ACMG/AMP sequence variant interpretation guidelines (Richards et al. 2015 PMID: 25741868, with internal and published modifications).